The following is an entry in ClinVar:

ClinVar aggregate classification (germline): Uncertain significance. Review status: criteria provided, multiple submitters, no conflicts (2 of 4 stars). 2 submissions from 2 submitters: Uncertain significance (2). Last evaluated 2025-05-27.

Conditions:
Hereditary cancer-predisposing syndrome. Also called: Tumor predisposition; Neoplastic Syndromes, Hereditary; Hereditary Cancer Syndrome; Hereditary neoplastic syndrome. Identifiers: Orphanet 140162, MedGen C0027672, MeSH D009386, MONDO:0015356.
Ataxia-telangiectasia syndrome (AT). Also called: Ataxia-telangiectasia; LOUIS-BAR SYNDROME; Ataxia-telangiectasia, complementation group D; AT, COMPLEMENTATION GROUP C; ATAXIA-TELANGIECTASIA, COMPLEMENTATION GROUP A; ATAXIA-TELANGIECTASIA, FRESNO VARIANT. Identifiers: Orphanet 100, MedGen C0004135, MONDO:0008840, OMIM 208900.

Submissions (2):

Labcorp Genetics (formerly Invitae), Labcorp
Classification: Uncertain significance for Ataxia-telangiectasia syndrome. Last evaluated: 2025-05-27. Review status: criteria provided, single submitter. Criteria: Invitae Variant Classification Sherloc (09022015). Collection method: clinical testing. Allele origin: germline.
Comment: This sequence change replaces tryptophan, which is neutral and slightly polar, with arginine, which is basic and polar, at codon 2845 of the ATM protein (p.Trp2845Arg). This variant is not present in population databases (gnomAD no frequency). This variant has not been reported in the literature in individuals affected with ATM-related conditions. ClinVar contains an entry for this variant (Variation ID: 1350071). Invitae Evidence Modeling of protein sequence and biophysical properties (such as structural, functional, and spatial information, amino acid conservation, physicochemical variation, residue mobility, and thermodynamic stability) indicates that this missense variant is expected to disrupt ATM protein function with a positive predictive value of 95%. In summary, the available evidence is currently insufficient to determine the role of this variant in disease. Therefore, it has been classified as a Variant of Uncertain Significance.

Ambry Genetics
Classification: Uncertain significance for Hereditary cancer-predisposing syndrome. Last evaluated: 2025-05-08. Review status: criteria provided, single submitter. Criteria: Ambry Variant Classification Scheme 2023. Collection method: clinical testing. Allele origin: germline.
Comment: The p.W2845R variant (also known as c.8533T>C), located in coding exon 57 of the ATM gene, results from a T to C substitution at nucleotide position 8533. The tryptophan at codon 2845 is replaced by arginine, an amino acid with dissimilar properties. This amino acid position is conserved. In addition, this alteration is predicted to be deleterious by in silico analysis. Based on the available evidence, the clinical significance of this variant remains unclear.

NM_000051.4(ATM):c.8533T>C (p.Trp2845Arg)

Genes: ATM (ATM serine/threonine kinase; plus strand), C11orf65 (chromosome 11 open reading frame 65; minus strand). Cytogenetic location: 11q22.3.
Variant type: single nucleotide variant.
Coding change: c.8533T>C on transcript NM_000051.4 (MANE Select); coding-DNA position 8533, T replaced by C.
Protein change: p.Trp2845Arg; replaces tryptophan 2845 with arginine.
Molecular consequence: missense variant. On other transcripts: intron variant (2).
Genome position (GRCh38, 1-based): chr11:108,345,857, T>C. VCF-style: chr11-108345857-T-C. GRCh37 (hg19) VCF-style: chr11-108216584-T-C.
Other names: c.8533T>C, p.Trp2845Arg (NM_001351834.2); c.641-36786A>G (NM_001330368.2); c.695-10565A>G (NM_001351110.2); short protein forms W2845R.
Identifiers: ClinVar variation 1350071 (VCV001350071.9), dbSNP rs2137034127, ClinGen allele CA382518365.